The following is an entry in ClinVar:

NM_002691.4(POLD1):c.2681_2682del (p.Tyr894fs)

Gene: POLD1 (DNA polymerase delta 1, catalytic subunit; plus strand). Cytogenetic location: 19q13.33.
Variant type: Deletion.
Coding change: c.2681_2682del on transcript NM_002691.4 (MANE Select); coding-DNA positions 2681 to 2682, 2 bases deleted (AT; older notation c.2681_2682delAT).
Protein change: p.Tyr894fs; shifts the reading frame from tyrosine 894.
Molecular consequence: frameshift variant. On other transcripts: non-coding transcript variant (1).
Genome position (GRCh38, 1-based): chr19:50,415,554-50,415,555, AT deleted; deleting any 2 consecutive bases within chr19:50,415,553-50,415,555 gives the same sequence; the c. name uses the placement nearest the transcript's 3' end. VCF-style (leftmost placement, unchanged base first): chr19-50415552-CTA-C. GRCh37 (hg19) VCF-style: chr19-50918809-CTA-C.
Other names: c.2681_2682del, p.Tyr894fs (NM_001256849.1); c.2759_2760del, p.Tyr920fs (NM_001308632.1); short protein forms Y894fs, Y920fs.
Identifiers: ClinVar variation 1021716 (VCV001021716.8), dbSNP rs2039249703, ClinGen allele CA2340889925.

ClinVar aggregate classification (germline): Uncertain significance (1 of 4 stars; one submission).

Conditions:
POLD1-related polyposis and colorectal cancer syndrome (CRCS10). Also called: Colorectal cancer 10; COLORECTAL CANCER, SUSCEPTIBILITY TO, ON CHROMOSOME 19q; Colorectal cancer, susceptibility to, 10. Identifiers: Orphanet 220460, MedGen C2675481, MONDO:0012953, OMIM 612591.

Submission:

Labcorp Genetics (formerly Invitae), Labcorp
Classification: Uncertain significance for POLD1-related polyposis and colorectal cancer syndrome. Last evaluated: 2024-05-13. Review status: criteria provided, single submitter. Criteria: Invitae Variant Classification Sherloc (09022015). Collection method: clinical testing. Allele origin: germline.
Comment: This sequence change creates a premature translational stop signal (p.Tyr894Cysfs*59) in the POLD1 gene. Missense variants that disrupt the 3'-5' exonuclease (proof-reading) activity of the POLD1 protein are associated with PPAP (polymerase proofreading–associated polyposis) (PMID: 23263490, 23447401). However, loss-of-function variants that result in an absent or severely disrupted POLD1 protein, and missense variants outside the exonuclease domain, are unlikely to be associated with PPAP. This variant is not present in population databases (gnomAD no frequency). This variant has not been reported in the literature in individuals affected with POLD1-related conditions. ClinVar contains an entry for this variant (Variation ID: 1021716). Algorithms developed to predict the effect of sequence changes on RNA splicing suggest that this variant may disrupt the consensus splice site. In summary, the available evidence is currently insufficient to determine the role of this variant in disease. Therefore, it has been classified as a Variant of Uncertain Significance.

Literature cited by the submitters: PubMed 23263490; PubMed 23447401.